The following is an entry in ClinVar:

ClinVar aggregate classification (germline): Uncertain significance (1 of 4 stars; one submission).

Conditions:
Familial infantile myasthenia (CMS6). Also called: Congenital myasthenic syndrome type 6; MYASTHENIC SYNDROME, PRESYNAPTIC, CONGENITAL, ASSOCIATED WITH EPISODIC APNEA; MYASTHENIC SYNDROME, CONGENITAL, 6, PRESYNAPTIC. Identifiers: Orphanet 590, MedGen C0393929, MONDO:0009689, OMIM 254210.

Submission:

Labcorp Genetics (formerly Invitae), Labcorp
Classification: Uncertain significance for Familial infantile myasthenia. Last evaluated: 2024-02-02. Review status: criteria provided, single submitter. Criteria: Invitae Variant Classification Sherloc (09022015). Collection method: clinical testing. Allele origin: germline.
Comment: This sequence change replaces glutamic acid, which is acidic and polar, with lysine, which is basic and polar, at codon 302 of the CHAT protein (p.Glu302Lys). This variant is not present in population databases (gnomAD no frequency). This variant has not been reported in the literature in individuals affected with CHAT-related conditions. Advanced modeling of protein sequence and biophysical properties (such as structural, functional, and spatial information, amino acid conservation, physicochemical variation, residue mobility, and thermodynamic stability) performed at Invitae indicates that this missense variant is not expected to disrupt CHAT protein function with a negative predictive value of 95%. In summary, the available evidence is currently insufficient to determine the role of this variant in disease. Therefore, it has been classified as a Variant of Uncertain Significance.

NM_020549.5(CHAT):c.904G>A (p.Glu302Lys)

Gene: CHAT (choline O-acetyltransferase; plus strand). Cytogenetic location: 10q11.23.
Variant type: single nucleotide variant.
Coding change: c.904G>A on transcript NM_020549.5 (MANE Select); coding-DNA position 904, G replaced by A.
Protein change: p.Glu302Lys; replaces glutamic acid 302 with lysine.
Molecular consequence: missense variant.
Genome position (GRCh38, 1-based): chr10:49,625,624, G>A. VCF-style: chr10-49625624-G-A. GRCh37 (hg19) VCF-style: chr10-50833670-G-A.
Other names: c.550G>A, p.Glu184Lys (NM_001142929.2, NM_001142934.2, NM_020984.4 and 2 more transcripts); c.658G>A, p.Glu220Lys (NM_001142933.2); short protein forms E184K, E220K, E302K.
Identifiers: ClinVar variation 3636937 (VCV003636937.2).
Genomic context (GRCh38, chr10:49,625,624, plus strand): 5'-CTCCCCGGCCATACCCAGGACACGCTGGTGGCTCAGAACAGCAGCATCATGCCGGAGCCT[G>A]AGCACGTCATCGTAGCCTGCTGCAATCAGGTAAGCAACCCCTTGTCTTGGTGAGGGAGGG-3'
Protein context (NP_065574.4, residues 292-312): AQNSSIMPEP[Glu302Lys]HVIVACCNQF